The following is an entry in ClinVar:

ClinVar aggregate classification (germline): Uncertain significance (1 of 4 stars; one submission).

Conditions:
Myofibrillar myopathy 4. Also called: Zaspopathy (type). Identifiers: Orphanet 98912, MedGen C4721886, MONDO:0012277, OMIM 609452.

Submission:

Labcorp Genetics (formerly Invitae), Labcorp
Classification: Uncertain significance for Myofibrillar myopathy 4. Last evaluated: 2025-02-17. Review status: criteria provided, single submitter. Criteria: Invitae Variant Classification Sherloc (09022015). Collection method: clinical testing. Allele origin: germline.
Comment: The LDB3 gene has multiple clinically relevant transcripts. This variant occurs in alternate transcript NM_007078.3, and corresponds to NM_001080116.1:c.321+1546_321+1548del in the primary transcript. This variant, c.589_591del, results in the deletion of 1 amino acid(s) of the LDB3 protein (p.Asn197del), but otherwise preserves the integrity of the reading frame. This variant is not present in population databases (gnomAD no frequency). This variant has not been reported in the literature in individuals affected with LDB3-related conditions. Experimental studies and prediction algorithms are not available or were not evaluated, and the functional significance of this variant is currently unknown. Algorithms developed to predict the effect of sequence changes on RNA splicing suggest that this variant is not likely to affect RNA splicing. In summary, the available evidence is currently insufficient to determine the role of this variant in disease. Therefore, it has been classified as a Variant of Uncertain Significance.

NM_007078.3(LDB3):c.586AAC[1] (p.Asn197del)

Gene: LDB3 (LIM domain binding 3; plus strand). Cytogenetic location: 10q23.2.
Variant type: Microsatellite.
Coding change: c.586AAC[1] on transcript NM_007078.3 (MANE Select); one copy of the 3-base unit AAC starting at c.586; the reference has two copies in a row; one copy, 3 bases deleted.
Protein change: p.Asn197del; deletes asparagine 197.
Molecular consequence: intron variant (on NM_001368068.1).
Genome position (GRCh38, 1-based): chr10:86,681,703-86,681,705, AAC deleted; deleting any 3 consecutive bases within chr10:86,681,700-86,681,705 gives the same sequence; the position shown is the placement nearest the transcript's 3' end. VCF-style (leftmost placement, unchanged base first): chr10-86681699-TAAC-T. GRCh37 (hg19) VCF-style: chr10-88441456-TAAC-T.
Other names: c.586AAC[1], p.Asn197del (NM_001080115.2, NM_001171610.2, NM_001171611.2 and 3 more transcripts); c.321+1546_321+1548del (NM_001368068.1, NM_001368066.1, NM_001080114.2 and 2 more transcripts); short protein forms N197del.
Identifiers: ClinVar variation 4773162 (VCV004773162.1).